The following is an entry in ClinVar:

NM_058216.3(RAD51C):c.370T>G (p.Cys124Gly)

Gene: RAD51C (RAD51 paralog C; plus strand). Cytogenetic location: 17q22.
Variant type: single nucleotide variant.
Coding change: c.370T>G on transcript NM_058216.3 (MANE Select); coding-DNA position 370, T replaced by G.
Protein change: p.Cys124Gly; replaces cysteine 124 with glycine.
Molecular consequence: missense variant. On other transcripts: non-coding transcript variant (2).
Genome position (GRCh38, 1-based): chr17:58,695,155, T>G. VCF-style: chr17-58695155-T-G. GRCh37 (hg19) VCF-style: chr17-56772516-T-G.
Other names: c.370T>G, p.Cys124Gly (NM_002876.4); short protein forms C124G.
Identifiers: ClinVar variation 928155 (VCV000928155.7), dbSNP rs1273995533, ClinGen allele CA400341816.
Genomic context (GRCh38, chr17:58,695,155, plus strand): 5'-TGTTCAGCACTAGATGATATTCTTGGGGGTGGAGTGCCCTTAATGAAAACAACAGAAATT[T>G]GTGGTGCACCAGGTGTTGGAAAAACACAATTATGGTAAAATAAAGTGTTCTCCTTTTAAG-3'
Protein context (NP_478123.1, residues 114-134): GVPLMKTTEI[Cys124Gly]GAPGVGKTQL

ClinVar aggregate classification (germline): Uncertain significance. Review status: criteria provided, multiple submitters, no conflicts (2 of 4 stars). 2 submissions from 2 submitters: Uncertain significance (2). Last evaluated 2024-03-06.

Conditions:
Fanconi anemia complementation group O. Also called: RAD51C-Related Fanconi Anemia. Identifiers: Orphanet 84, MedGen C3150653, MONDO:0013248, OMIM 613390.
Hereditary cancer-predisposing syndrome. Also called: Tumor predisposition; Hereditary neoplastic syndrome; Neoplastic Syndromes, Hereditary; Hereditary Cancer Syndrome. Identifiers: Orphanet 140162, MedGen C0027672, MeSH D009386, MONDO:0015356.

Submissions (2):

Color Diagnostics, LLC DBA Color Health
Classification: Uncertain significance for Hereditary cancer-predisposing syndrome. Last evaluated: 2024-03-06. Review status: criteria provided, single submitter. Criteria: ACMG Guidelines, 2015. Collection method: clinical testing. Allele origin: germline.
Comment: This missense variant replaces cysteine with glycine at codon 124 of the RAD51C protein. Computational prediction suggests that this variant may not impact protein structure and function (internally defined REVEL score threshold <= 0.5, PMID: 27666373). To our knowledge, functional studies have not been reported for this variant. This variant has not been reported in individuals affected with hereditary cancer in the literature. This variant has not been identified in the general population by the Genome Aggregation Database (gnomAD). The available evidence is insufficient to determine the role of this variant in disease conclusively. Therefore, this variant is classified as a Variant of Uncertain Significance.

Labcorp Genetics (formerly Invitae), Labcorp
Classification: Uncertain significance for Fanconi anemia complementation group O. Last evaluated: 2023-01-23. Review status: criteria provided, single submitter. Criteria: Invitae Variant Classification Sherloc (09022015). Collection method: clinical testing. Allele origin: germline.
Comment: This sequence change replaces cysteine, which is neutral and slightly polar, with glycine, which is neutral and non-polar, at codon 124 of the RAD51C protein (p.Cys124Gly). This variant is not present in population databases (gnomAD no frequency). This variant has not been reported in the literature in individuals affected with RAD51C-related conditions. ClinVar contains an entry for this variant (Variation ID: 928155). Advanced modeling of protein sequence and biophysical properties (such as structural, functional, and spatial information, amino acid conservation, physicochemical variation, residue mobility, and thermodynamic stability) has been performed at Invitae for this missense variant, however the output from this modeling did not meet the statistical confidence thresholds required to predict the impact of this variant on RAD51C protein function. In summary, the available evidence is currently insufficient to determine the role of this variant in disease. Therefore, it has been classified as a Variant of Uncertain Significance.